The following is an entry in ClinVar:

NM_000277.3(PAH):c.773T>C (p.Leu258Pro)

Gene: PAH (phenylalanine hydroxylase; minus strand). Cytogenetic location: 12q23.2.
Variant type: single nucleotide variant.
Coding change: c.773T>C on transcript NM_000277.3 (MANE Select); coding-DNA position 773, T replaced by C.
Protein change: p.Leu258Pro; replaces leucine 258 with proline.
Molecular consequence: missense variant.
Genome position (GRCh38, 1-based): chr12:102,852,884, A>G on the plus strand (T>C on the coding strand, the complement: PAH is on the minus strand). VCF-style: chr12-102852884-A-G. GRCh37 (hg19) VCF-style: chr12-103246662-A-G.
Other names: c.773T>C, p.Leu258Pro (NM_001354304.2); short protein forms L258P.
Identifiers: ClinVar variation 619159 (VCV000619159.4), dbSNP rs1565846899, ClinGen allele CA16020855.

ClinVar aggregate classification (germline): Likely pathogenic. Review status: reviewed by expert panel (3 of 4 stars). 3 submissions from 3 submitters: Likely pathogenic (1). 2 of the submissions do not count toward it. Last evaluated 2018-12-10.

Conditions:
Phenylketonuria (PKU). Also called: Phenylketonuria (PKU); FOLLING DISEASE; OLIGOPHRENIA PHENYLPYRUVICA; Phenylketonurias. Identifiers: Orphanet 716, MedGen C0031485, MONDO:0009861, OMIM 261600. Disease mechanism: loss of function.

Allele frequency attached by ClinVar (database versions not stated): gnomAD exomes below 0.00001.
gnomAD v4.1: 1 of 1,614,152 alleles (0.000062%); highest among the groups gnomAD compares: Non-Finnish European, 0.000085%; no homozygotes.

Submissions (3):

ClinGen PAH Variant Curation Expert Panel
Classification: Likely pathogenic for Phenylketonuria. Last evaluated: 2018-12-10. Review status: reviewed by expert panel. Criteria: ClinGen PAH ACMG Specifications v1. Collection method: curation. Allele origin: germline. Inheritance: Autosomal recessive inheritance.
Comment: The c.773T>C (p.Leu258Pro) variant in PAH has been reported in 3 individuals with mild PKU (BH4 deficiency excluded). (PP4_Moderate; PMID: 19786003, 23514811). This variant is absent in population databases (PM2). This variant was present in two homozygous patients. Genetic analysis in parents confirmed homozygosity. PMID: 23514811 (PM3-supporting). Computational evidence supports a deleterious effect . In summary, this variant meets criteria to be classified as likely pathogenic for PAH. PAH-specific ACMG/AMP criteria applied: PP4_Moderate, PM2, PM3_supporting, PP3.

Myriad Genetics, Inc.
Classification: Uncertain significance for Phenylketonuria. Last evaluated: 2026-08-18. Review status: criteria provided, single submitter. Criteria: Myriad Autosomal Dominant, Autosomal Recessive and X-Linked Classification Criteria (2023). Collection method: clinical testing. Allele origin: unknown. Not counted in ClinVar's aggregate classification.
Comment: NM_000277.1(PAH):c.773T>C(L258P) is a missense variant classified as a variant of uncertain significance in the context of phenylalanine hydroxylase deficiency. L258P has been observed in a case with relevant disease (PMID: 27121329, 23514811, 32668217). Relevant functional assessments of this variant are not available in the literature. L258P has not been observed in referenced population frequency databases. In summary, there is insufficient evidence to classify NM_000277.1(PAH):c.773T>C(L258P) as pathogenic or benign. Please note: this variant was assessed in the context of healthy population screening.

Juno Genomics, Hangzhou Juno Genomics, Inc
Classification: Likely pathogenic for Phenylketonuria. Review status: criteria provided, single submitter. Criteria: ACMG Guidelines, 2015. Collection method: clinical testing. Allele origin: germline. Not counted in ClinVar's aggregate classification.
Comment: Absent from controls (or at extremely low frequency if recessive) in Genome Aggregation Database.;Multiple lines of computational evidence support a deleterious effect on the gene or gene product.;For recessive disorders, detected in trans with a pathogenic variant.;Patient's phenotype or family history is highly specific for a disease with a single genetic etiology.

Literature cited by the submitters: PubMed 23514811 (cited by ClinGen PAH Variant Curation Expert Panel and Myriad Genetics, Inc.); PubMed 19786003 (cited by ClinGen PAH Variant Curation Expert Panel); PubMed 27121329 (cited by Myriad Genetics, Inc.); PubMed 32668217 (cited by Myriad Genetics, Inc.).